The following is an entry in ClinVar:

ClinVar aggregate classification (germline): Conflicting classifications of pathogenicity. Review status: criteria provided, conflicting classifications (1 of 4 stars). 4 submissions from 4 submitters: Pathogenic (1); Likely pathogenic (1); Uncertain significance (1). 1 of the submissions does not count toward it. Last evaluated 2025-06-20.

Conditions:
BBS7-related disorder. Also called: BBS7-related condition.
Bardet-Biedl syndrome (BBS). Identifiers: Orphanet 110, MedGen C0752166, MONDO:0015229.
Bardet-Biedl syndrome 7 (BBS7). Identifiers: Orphanet 110, MedGen C1859565, MONDO:0014435, OMIM 615984.

Submissions (4):

GeneDx
Classification: Uncertain significance. Last evaluated: 2025-06-20. Review status: criteria provided, single submitter. Criteria: GeneDx Variant Classification Process June 2021. Collection method: clinical testing. Allele origin: germline. Affected: yes.
Comment: Frameshift variant predicted to result in abnormal protein length as the last 54 amino acid(s) are replaced with 5 different amino acid(s); Has not been previously published as pathogenic or benign to our knowledge

Fulgent Genetics
Classification: Likely pathogenic for Bardet-Biedl syndrome 7. Last evaluated: 2024-04-24. Review status: criteria provided, single submitter. Criteria: ACMG Guidelines, 2015. Collection method: clinical testing. Allele origin: germline.

Labcorp Genetics (formerly Invitae), Labcorp
Classification: Pathogenic for Bardet-Biedl syndrome. Last evaluated: 2015-04-06. Review status: criteria provided, single submitter. Criteria: Invitae Variant Classification Sherloc (09022015). Collection method: clinical testing. Allele origin: germline.
Comment: This sequence change deletes 3 nucleotides and inserts 1 nucleotide in exon 18 of the BBS7 mRNA (c.1986_1988delGCAinsT), causing a frameshift at codon 662. This creates a premature translational stop signal (p.Lys662Asnfs*6) and is expected to result in an absent or disrupted protein product. While this particular variant has not been reported in the literature, truncating variants in BBS7 are known to be pathogenic (PMID: 21209035, 20177705). For these reasons, this variant has been classified as Pathogenic.

PreventionGenetics, part of Exact Sciences
Classification: Likely pathogenic for BBS7-related condition. Last evaluated: 2024-08-05. Review status: no assertion criteria provided. Collection method: clinical testing. Allele origin: germline. Not counted in ClinVar's aggregate classification.
Comment: The BBS7 c.1986_1988delinsT variant is predicted to result in a frameshift and premature protein termination (p.Lys662Asnfs*6). To our knowledge, this variant has not been reported in the literature or in a large population database, indicating this variant is rare. Frameshift variants in BBS7 are expected to be pathogenic. This variant is interpreted as likely pathogenic.

Literature cited by the submitters: PubMed 21209035 (cited by Labcorp Genetics (formerly Invitae), Labcorp); PubMed 20177705 (cited by Labcorp Genetics (formerly Invitae), Labcorp).

NM_176824.3(BBS7):c.1986_1988delinsT (p.Lys662fs)

Gene: BBS7 (Bardet-Biedl syndrome 7; minus strand). Cytogenetic location: 4q27.
Variant type: Indel.
Coding change: c.1986_1988delinsT on transcript NM_176824.3 (MANE Select); coding-DNA positions 1986 to 1988, GCA replaced by T.
Protein change: p.Lys662fs; shifts the reading frame from lysine 662.
Molecular consequence: frameshift variant.
Genome position (GRCh38, 1-based): chr4:121,828,172-121,828,174, TGC replaced by A on the plus strand (GCA replaced by T on the coding strand, the reverse complement: BBS7 is on the minus strand). VCF-style: chr4-121828172-TGC-A. GRCh37 (hg19) VCF-style: chr4-122749327-TGC-A.
Other names: c.1986_1988delGCAinsT (NM_176824.2); c.1986_1988delinsT, p.Lys662fs (NM_018190.4); c.1986_1988delinsT (NM_176824.2); short protein forms K662fs.
Identifiers: ClinVar variation 216137 (VCV000216137.8), dbSNP rs863224529, ClinGen allele CA337833.
Genomic context (GRCh38, chr4:121,828,172, plus strand): 5'-AATATGGCAAGGTATTCTAGAATGGTCCACTAACCATAGAGTCTTTCAAGATGTGCAGGT[TGC>A]TTTTTGTATTCTTCCTGTAGGTGATCTGCCTCTTCTAGAATACAGTGATATTCTGGTATC-3'